The following is an entry in ClinVar:

NM_015259.6(ICOSLG):c.239A>G (p.Tyr80Cys)

Gene: ICOSLG (inducible T cell costimulator ligand; minus strand). Cytogenetic location: 21q22.3.
Variant type: single nucleotide variant.
Coding change: c.239A>G on transcript NM_015259.6 (MANE Select); coding-DNA position 239, A replaced by G.
Protein change: p.Tyr80Cys; replaces tyrosine 80 with cysteine.
Molecular consequence: missense variant. On other transcripts: 5 prime UTR variant (1), intron variant (1).
Genome position (GRCh38, 1-based): chr21:44,237,034, T>C on the plus strand (A>G on the coding strand, the complement: ICOSLG is on the minus strand). VCF-style: chr21-44237034-T-C. GRCh37 (hg19) VCF-style: chr21-45656917-T-C.
Other names: c.239A>G, p.Tyr80Cys (NM_001283050.2); c.-17A>G (NM_001283052.2); c.158A>G, p.Tyr53Cys (NM_001365759.2); c.55+1414A>G (NM_001283051.2); short protein forms Y53C, Y80C.
Identifiers: ClinVar variation 1503189 (VCV001503189.6), dbSNP rs2146344793, ClinGen allele CA410616280.

ClinVar aggregate classification (germline): Uncertain significance (1 of 4 stars; one submission).

Submission:

Labcorp Genetics (formerly Invitae), Labcorp
Classification: Uncertain significance. Last evaluated: 2023-12-11. Review status: criteria provided, single submitter. Criteria: Invitae Variant Classification Sherloc (09022015). Collection method: clinical testing. Allele origin: germline.
Comment: This sequence change replaces tyrosine, which is neutral and polar, with cysteine, which is neutral and slightly polar, at codon 80 of the ICOSLG protein (p.Tyr80Cys). This variant is not present in population databases (gnomAD no frequency). This variant has not been reported in the literature in individuals affected with ICOSLG-related conditions. ClinVar contains an entry for this variant (Variation ID: 1503189). An algorithm developed to predict the effect of missense changes on protein structure and function (PolyPhen-2) suggests that this variant is likely to be disruptive. In summary, the available evidence is currently insufficient to determine the role of this variant in disease. Therefore, it has been classified as a Variant of Uncertain Significance.